The following is an entry in ClinVar:

ClinVar aggregate classification (germline): Benign (1 of 4 stars; one submission).

Allele frequency attached by ClinVar (database versions not stated): gnomAD 0.70374; TOPMed 0.70613; 1000 Genomes Project 0.70967; 1000 Genomes Project 30x 0.71093.

Submission:

GeneDx
Classification: Benign. Last evaluated: 2018-06-14. Review status: criteria provided, single submitter. Criteria: GeneDx Variant Classification (06012015). Collection method: clinical testing. Allele origin: germline. Affected: yes.
Comment: This variant is considered likely benign or benign based on one or more of the following criteria: it is a conservative change, it occurs at a poorly conserved position in the protein, it is predicted to be benign by multiple in silico algorithms, and/or has population frequency not consistent with disease.

NM_004006.3(DMD):c.5587-308G>T

Gene: DMD (dystrophin; minus strand). Cytogenetic location: Xp21.1.
Variant type: single nucleotide variant.
Coding change: c.5587-308G>T on transcript NM_004006.3 (MANE Select); 308 bases into the intron before coding-DNA position 5587, G replaced by T.
Molecular consequence: intron variant.
Genome position (GRCh38, 1-based): chrX:32,343,594, C>A on the plus strand (G>T on the coding strand, the complement: DMD is on the minus strand). VCF-style: chrX-32343594-C-A. GRCh37 (hg19) VCF-style: chrX-32361711-C-A.
Other names: c.5563-308G>T (NM_000109.4); c.1564-308G>T (NM_004011.4); c.1555-308G>T (NM_004012.4); c.5575-308G>T (NM_004009.3); c.5218-308G>T (NM_004010.3).
Identifiers: ClinVar variation 680532 (VCV000680532.1), dbSNP rs1456732, ClinGen allele CA15027255.